The following is an entry in ClinVar:

ClinVar aggregate classification (germline): Uncertain significance (1 of 4 stars; one submission).

Conditions:
Hermansky-Pudlak syndrome 2 (HPS2). Also called: Platelet defects and oculocutaneous albinism. Identifiers: Orphanet 183678, Orphanet 79430, MedGen C1842362, MONDO:0011997, OMIM 608233.

Allele frequency attached by ClinVar (database versions not stated): gnomAD exomes 0.00001.
gnomAD v4.1: 9 of 1,614,086 alleles (0.00056%); highest among the groups gnomAD compares: South Asian, 0.0011%; no homozygotes.

Submission:

Labcorp Genetics (formerly Invitae), Labcorp
Classification: Uncertain significance for Hermansky-Pudlak syndrome 2. Last evaluated: 2023-12-07. Review status: criteria provided, single submitter. Criteria: Invitae Variant Classification Sherloc (09022015). Collection method: clinical testing. Allele origin: germline.
Comment: This sequence change replaces isoleucine, which is neutral and non-polar, with valine, which is neutral and non-polar, at codon 244 of the AP3B1 protein (p.Ile244Val). This variant is not present in population databases (gnomAD no frequency). This variant has not been reported in the literature in individuals affected with AP3B1-related conditions. ClinVar contains an entry for this variant (Variation ID: 1903852). An algorithm developed to predict the effect of missense changes on protein structure and function (PolyPhen-2) suggests that this variant is likely to be tolerated. In summary, the available evidence is currently insufficient to determine the role of this variant in disease. Therefore, it has been classified as a Variant of Uncertain Significance.

NM_003664.5(AP3B1):c.730A>G (p.Ile244Val)

Gene: AP3B1 (adaptor related protein complex 3 subunit beta 1; minus strand). Cytogenetic location: 5q14.1.
Variant type: single nucleotide variant.
Coding change: c.730A>G on transcript NM_003664.5 (MANE Select); coding-DNA position 730, A replaced by G.
Protein change: p.Ile244Val; replaces isoleucine 244 with valine.
Molecular consequence: missense variant.
Genome position (GRCh38, 1-based): chr5:78,216,111, T>C on the plus strand (A>G on the coding strand, the complement: AP3B1 is on the minus strand). VCF-style: chr5-78216111-T-C. GRCh37 (hg19) VCF-style: chr5-77511935-T-C.
Other names: c.583A>G, p.Ile195Val (NM_001271769.2); c.730A>G, p.Ile244Val (NM_001410752.1); short protein forms I195V, I244V.
Identifiers: ClinVar variation 1903852 (VCV001903852.5), dbSNP rs967619405, ClinGen allele CA121114754.